The following is an entry in ClinVar:

ClinVar aggregate classification (germline): Uncertain significance (1 of 4 stars; one submission).

Conditions:
Hereditary cancer-predisposing syndrome. Also called: Hereditary neoplastic syndrome; Tumor predisposition; Hereditary Cancer Syndrome; Neoplastic Syndromes, Hereditary. Identifiers: Orphanet 140162, MedGen C0027672, MeSH D009386, MONDO:0015356.

Submission:

Ambry Genetics
Classification: Uncertain significance for Hereditary cancer-predisposing syndrome. Last evaluated: 2023-07-23. Review status: criteria provided, single submitter. Criteria: Ambry Variant Classification Scheme 2023. Collection method: clinical testing. Allele origin: germline.
Comment: The p.E1117G variant (also known as c.3350A>G), located in coding exon 20 of the DICER1 gene, results from an A to G substitution at nucleotide position 3350. The glutamic acid at codon 1117 is replaced by glycine, an amino acid with similar properties. This amino acid position is conserved. In addition, the in silico prediction for this alteration is inconclusive. Since supporting evidence is limited at this time, the clinical significance of this alteration remains unclear.

NM_177438.3(DICER1):c.3350A>G (p.Glu1117Gly)

Gene: DICER1 (dicer 1, ribonuclease III; minus strand). Cytogenetic location: 14q32.13.
Variant type: single nucleotide variant.
Coding change: c.3350A>G on transcript NM_177438.3 (MANE Select); coding-DNA position 3350, A replaced by G.
Protein change: p.Glu1117Gly; replaces glutamic acid 1117 with glycine.
Molecular consequence: missense variant. On other transcripts: non-coding transcript variant (6).
Genome position (GRCh38, 1-based): chr14:95,104,046, T>C on the plus strand (A>G on the coding strand, the complement: DICER1 is on the minus strand). VCF-style: chr14-95104046-T-C. GRCh37 (hg19) VCF-style: chr14-95570383-T-C.
Other names: c.3350A>G, p.Glu1117Gly (NM_001195573.1, NM_001271282.3, NM_001291628.2 and 13 more transcripts); c.3068A>G, p.Glu1023Gly (NM_001395686.1); c.2945A>G, p.Glu982Gly (NM_001395687.1, NM_001395688.1, NM_001395689.1 and 2 more transcripts); c.2783A>G, p.Glu928Gly (NM_001395691.1); c.1667A>G, p.Glu556Gly (NM_001395697.1); short protein forms E556G, E928G, E982G, E1023G, E1117G.
Identifiers: ClinVar variation 2586411 (VCV002586411.2), dbSNP rs2542719396, ClinGen allele CA390875805.
Genomic context (GRCh38, chr14:95,104,046, plus strand): 5'-GCACCTTGATGTGCAGCATTTTCAGGGACAATTGTGCTGTGCTTACAGTAATTATCATTT[T>C]CAGCTGAAGAGGAGTTAGAAATTGAGATGAAAGATTTGCTGTCAATAGATTTTTTCCACC-3'
Protein context (NP_803187.1, residues 1107-1127): FISISNSSSA[Glu1117Gly]NDNYCKHSTI